The following is an entry in ClinVar:

ClinVar aggregate classification (germline): Uncertain significance. Review status: criteria provided, multiple submitters, no conflicts (2 of 4 stars). 3 submissions from 3 submitters: Uncertain significance (2). 1 of the submissions does not count toward it. Last evaluated 2025-02-19.

Conditions:
Bloom syndrome (BLM). Also called: Bloom-Torre-Machacek syndrome. Identifiers: Orphanet 125, MedGen C0005859, MONDO:0008876, OMIM 210900.
Hereditary cancer-predisposing syndrome. Also called: Tumor predisposition; Neoplastic Syndromes, Hereditary; Hereditary neoplastic syndrome; Hereditary Cancer Syndrome. Identifiers: Orphanet 140162, MedGen C0027672, MeSH D009386, MONDO:0015356.

Allele frequency attached by ClinVar (database versions not stated): gnomAD exomes 0.00001.
gnomAD v4.1: 14 of 1,614,208 alleles (0.00087%); highest among the groups gnomAD compares: Non-Finnish European, 0.001%; no homozygotes.

Submissions (3):

Labcorp Genetics (formerly Invitae), Labcorp
Classification: Uncertain significance for Bloom syndrome. Last evaluated: 2025-02-19. Review status: criteria provided, single submitter. Criteria: Invitae Variant Classification Sherloc (09022015). Collection method: clinical testing. Allele origin: germline.
Comment: This sequence change replaces isoleucine, which is neutral and non-polar, with threonine, which is neutral and polar, at codon 1168 of the BLM protein (p.Ile1168Thr). This variant is not present in population databases (gnomAD no frequency). This variant has not been reported in the literature in individuals affected with BLM-related conditions. ClinVar contains an entry for this variant (Variation ID: 851680). Invitae Evidence Modeling of protein sequence and biophysical properties (such as structural, functional, and spatial information, amino acid conservation, physicochemical variation, residue mobility, and thermodynamic stability) indicates that this missense variant is not expected to disrupt BLM protein function with a negative predictive value of 80%. In summary, the available evidence is currently insufficient to determine the role of this variant in disease. Therefore, it has been classified as a Variant of Uncertain Significance.

Ambry Genetics
Classification: Uncertain significance for Hereditary cancer-predisposing syndrome. Last evaluated: 2023-11-23. Review status: criteria provided, single submitter. Criteria: Ambry Variant Classification Scheme 2023. Collection method: clinical testing. Allele origin: germline.
Comment: The p.I1168T variant (also known as c.3503T>C), located in coding exon 17 of the BLM gene, results from a T to C substitution at nucleotide position 3503. The isoleucine at codon 1168 is replaced by threonine, an amino acid with similar properties. This amino acid position is conserved. In addition, this alteration is predicted to be tolerated by in silico analysis. Since supporting evidence is limited at this time, the clinical significance of this alteration remains unclear.

Natera, Inc.
Classification: Uncertain significance for Bloom syndrome. Last evaluated: 2020-03-08. Review status: no assertion criteria provided. Collection method: clinical testing. Allele origin: germline. Not counted in ClinVar's aggregate classification.

NM_000057.4(BLM):c.3503T>C (p.Ile1168Thr)

Gene: BLM (BLM RecQ like helicase; plus strand). Cytogenetic location: 15q26.1.
Variant type: single nucleotide variant.
Coding change: c.3503T>C on transcript NM_000057.4 (MANE Select); coding-DNA position 3503, T replaced by C.
Protein change: p.Ile1168Thr; replaces isoleucine 1168 with threonine.
Molecular consequence: missense variant. On other transcripts: intron variant (1).
Genome position (GRCh38, 1-based): chr15:90,803,665, T>C. VCF-style: chr15-90803665-T-C. GRCh37 (hg19) VCF-style: chr15-91346895-T-C.
Other names: c.3503T>C, p.Ile1168Thr (NM_001287246.2); c.2378T>C, p.Ile793Thr (NM_001287248.2); c.3358+5328T>C (NM_001287247.2); c.3503T>C (NM_000057.2); short protein forms I793T, I1168T.
Identifiers: ClinVar variation 851680 (VCV000851680.16), dbSNP rs1897218823, ClinGen allele CA393847744.